The following is an entry in ClinVar:

NM_006180.6(NTRK2):c.1628A>T (p.Asp543Val)

Gene: NTRK2 (neurotrophic receptor tyrosine kinase 2; plus strand). Cytogenetic location: 9q21.33.
Variant type: single nucleotide variant.
Coding change: c.1628A>T on transcript NM_006180.6 (MANE Select); coding-DNA position 1628, A replaced by T.
Protein change: p.Asp543Val; replaces aspartic acid 543 with valine.
Molecular consequence: missense variant.
Genome position (GRCh38, 1-based): chr9:84,867,426, A>T. VCF-style: chr9-84867426-A-T. GRCh37 (hg19) VCF-style: chr9-87482341-A-T.
Other names: c.1112A>T, p.Asp371Val (NM_001369535.1); c.1160A>T, p.Asp387Val (NM_001369536.1); c.1628A>T, p.Asp543Val (NM_001369537.1, NM_001381928.1, NM_001018065.2); c.1580A>T, p.Asp527Val (NM_001369538.1, NM_001018064.3, NM_001018066.3 and 2 more transcripts); c.1544A>T, p.Asp515Val (NM_001369534.1); short protein forms D515V, D527V, D371V, D387V, D543V.
Identifiers: ClinVar variation 2753553 (VCV002753553.3), dbSNP rs2132061326, ClinGen allele CA374006422.

ClinVar aggregate classification (germline): Uncertain significance (1 of 4 stars; one submission).

Submission:

Labcorp Genetics (formerly Invitae), Labcorp
Classification: Uncertain significance. Last evaluated: 2023-08-17. Review status: criteria provided, single submitter. Criteria: Invitae Variant Classification Sherloc (09022015). Collection method: clinical testing. Allele origin: germline.
Comment: This sequence change replaces aspartic acid, which is acidic and polar, with valine, which is neutral and non-polar, at codon 543 of the NTRK2 protein (p.Asp543Val). This variant is not present in population databases (gnomAD no frequency). This variant has not been reported in the literature in individuals affected with NTRK2-related conditions. Advanced modeling of protein sequence and biophysical properties (such as structural, functional, and spatial information, amino acid conservation, physicochemical variation, residue mobility, and thermodynamic stability) performed at Invitae indicates that this missense variant is not expected to disrupt NTRK2 protein function. In summary, the available evidence is currently insufficient to determine the role of this variant in disease. Therefore, it has been classified as a Variant of Uncertain Significance.